The following is an entry in ClinVar:

NM_000552.5(VWF):c.1506G>C (p.Trp502Cys)

Gene: VWF (von Willebrand factor; minus strand). Cytogenetic location: 12p13.31.
Variant type: single nucleotide variant.
Coding change: c.1506G>C on transcript NM_000552.5 (MANE Select); coding-DNA position 1506, G replaced by C.
Protein change: p.Trp502Cys; replaces tryptophan 502 with cysteine.
Molecular consequence: missense variant.
Genome position (GRCh38, 1-based): chr12:6,062,981, C>G on the plus strand (G>C on the coding strand, the complement: VWF is on the minus strand). VCF-style: chr12-6062981-C-G. GRCh37 (hg19) VCF-style: chr12-6172147-C-G.
Other names: short protein forms W502C.
Identifiers: ClinVar variation 4530827 (VCV004530827.1).

ClinVar aggregate classification (germline): Uncertain significance (1 of 4 stars; one submission).

Submission:

GeneDx
Classification: Uncertain significance. Last evaluated: 2025-05-15. Review status: criteria provided, single submitter. Criteria: GeneDx Variant Classification Process June 2021. Collection method: clinical testing. Allele origin: germline. Affected: yes.
Comment: Not observed at significant frequency in large population cohorts (gnomAD); In silico analysis supports that this missense variant has a deleterious effect on protein structure/function; Has not been previously published as pathogenic or benign to our knowledge